The following is an entry in ClinVar:

ClinVar aggregate classification (germline): Likely pathogenic (1 of 4 stars; one submission).

Conditions:
Intellectual disability-facial dysmorphism syndrome due to SETD5 haploinsufficiency (MRD23). Also called: Intellectual developmental disorder, autosomal dominant 23. Identifiers: Orphanet 404440, MedGen C3810406, MONDO:0014336, OMIM 615761.

Submission:

OLLIN Analises Genomicas, OLLIN
Classification: Likely pathogenic for Intellectual disability-facial dysmorphism syndrome due to SETD5 haploinsufficiency. Last evaluated: 2025-11-05. Review status: criteria provided, single submitter. Criteria: ACMG Guidelines 2015 PMID 25741868. Collection method: clinical testing. Allele origin: germline. Affected: yes. Observed: 1 variant allele.
Comment: The nonsense variant (chr3:9445202G>T), located in exon 12 (of 23), is not reported in the gnomAD v4.1 non-UKB or ClinVar databases and has not been reported in the scientific literature. This variant introduces an early stop codon, resulting in a truncated protein or mRNA degradation via nonsense-mediated decay (NMD). Loss-of-function variants have already been described in association with the SETD5 gene in the literature (PMIDs: 27375234, 24680889, 25138099). Based on currently available evidence, this variant has been classified as likely pathogenic (PVS1, PM2_P).

NM_001080517.3(SETD5):c.1342G>T (p.Glu448Ter)

Gene: SETD5 (SET domain containing 5; plus strand). Cytogenetic location: 3p25.3.
Variant type: single nucleotide variant.
Coding change: c.1342G>T on transcript NM_001080517.3 (MANE Select); coding-DNA position 1342, G replaced by T.
Protein change: p.Glu448Ter; replaces glutamic acid 448 with a stop codon.
Molecular consequence: nonsense.
Genome position (GRCh38, 1-based): chr3:9,445,202, G>T. VCF-style: chr3-9445202-G-T. GRCh37 (hg19) VCF-style: chr3-9486886-G-T.
Other names: c.1048G>T, p.Glu350Ter (NM_001292043.2, NM_001349451.2); c.1438G>T, p.Glu480Ter (NM_001437633.1); c.1399G>T, p.Glu467Ter (NM_001437635.1); c.1342G>T, p.Glu448Ter (NM_001437643.1); c.1381G>T, p.Glu461Ter (NM_001437701.1); short protein forms E350*, E448*, E461*, E467*, E480*.
Identifiers: ClinVar variation 4814159 (VCV004814159.1).